The following is an entry in ClinVar:

ClinVar aggregate classification (germline): Uncertain significance. Review status: criteria provided, multiple submitters, no conflicts (2 of 4 stars). 2 submissions from 2 submitters: Uncertain significance (2). Last evaluated 2025-08-07.

Conditions:
Inborn genetic diseases. Identifiers: MedGen C0950123, MeSH D030342.

Allele frequency attached by ClinVar (database versions not stated): gnomAD 0.00005; TOPMed 0.00008; gnomAD exomes 0.00009; ExAC 0.00012; ESP Exome Variant Server 0.00016.

Submissions (2):

Ambry Genetics
Classification: Uncertain significance for Inborn genetic diseases. Last evaluated: 2025-08-07. Review status: criteria provided, single submitter. Criteria: Ambry Variant Classification Scheme 2023. Collection method: clinical testing. Allele origin: germline.

Labcorp Genetics (formerly Invitae), Labcorp
Classification: Uncertain significance. Last evaluated: 2023-10-22. Review status: criteria provided, single submitter. Criteria: Invitae Variant Classification Sherloc (09022015). Collection method: clinical testing. Allele origin: germline.
Comment: This sequence change replaces aspartic acid, which is acidic and polar, with glycine, which is neutral and non-polar, at codon 55 of the ACAN protein (p.Asp55Gly). This variant is present in population databases (rs370110892, gnomAD 0.02%). This variant has not been reported in the literature in individuals affected with ACAN-related conditions. ClinVar contains an entry for this variant (Variation ID: 2175622). Advanced modeling of protein sequence and biophysical properties (such as structural, functional, and spatial information, amino acid conservation, physicochemical variation, residue mobility, and thermodynamic stability) performed at Invitae indicates that this missense variant is not expected to disrupt ACAN protein function. In summary, the available evidence is currently insufficient to determine the role of this variant in disease. Therefore, it has been classified as a Variant of Uncertain Significance.

NM_001369268.1(ACAN):c.164A>G (p.Asp55Gly)

Gene: ACAN (aggrecan; plus strand). Cytogenetic location: 15q26.1.
Variant type: single nucleotide variant.
Coding change: c.164A>G on transcript NM_001369268.1 (MANE Select); coding-DNA position 164, A replaced by G.
Protein change: p.Asp55Gly; replaces aspartic acid 55 with glycine.
Molecular consequence: missense variant.
Genome position (GRCh38, 1-based): chr15:88,838,756, A>G. VCF-style: chr15-88838756-A-G. GRCh37 (hg19) VCF-style: chr15-89381987-A-G.
Other names: c.164A>G, p.Asp55Gly (NM_001135.4, NM_001411096.1, NM_001411097.1 and 1 more transcripts); c.164A>G (NM_013227.3); short protein forms D55G.
Identifiers: ClinVar variation 2175622 (VCV002175622.5), dbSNP rs370110892, ClinGen allele CA7719158.